The following is an entry in ClinVar:

NM_001430.5(EPAS1):c.169A>G (p.Met57Val)

Gene: EPAS1 (endothelial PAS domain protein 1; plus strand). Cytogenetic location: 2p21.
Variant type: single nucleotide variant.
Coding change: c.169A>G on transcript NM_001430.5 (MANE Select); coding-DNA position 169, A replaced by G.
Protein change: p.Met57Val; replaces methionine 57 with valine.
Molecular consequence: missense variant.
Genome position (GRCh38, 1-based): chr2:46,347,015, A>G. VCF-style: chr2-46347015-A-G. GRCh37 (hg19) VCF-style: chr2-46574154-A-G.
Other names: short protein forms M57V.
Identifiers: ClinVar variation 1778300 (VCV001778300.2), dbSNP rs1684043368, ClinGen allele CA346697177.

ClinVar aggregate classification (germline): Uncertain significance (1 of 4 stars; one submission).

Conditions:
Inborn genetic diseases. Identifiers: MedGen C0950123, MeSH D030342.

Allele frequency attached by ClinVar (database versions not stated): gnomAD exomes below 0.00001.

Submission:

Ambry Genetics
Classification: Uncertain significance for Inborn genetic diseases. Last evaluated: 2023-11-09. Review status: criteria provided, single submitter. Criteria: Ambry Variant Classification Scheme 2023. Collection method: clinical testing. Allele origin: germline.
Comment: The p.M57V variant (also known as c.169A>G), located in coding exon 2 of the EPAS1 gene, results from an A to G substitution at nucleotide position 169. The methionine at codon 57 is replaced by valine, an amino acid with highly similar properties. This amino acid position is conserved. In addition, the in silico prediction for this alteration is inconclusive. Since supporting evidence is limited at this time, the clinical significance of this alteration remains unclear.